The following is an entry in ClinVar:

ClinVar aggregate classification (germline): Conflicting classifications of pathogenicity. Review status: criteria provided, conflicting classifications (1 of 4 stars). 6 submissions from 6 submitters: Likely pathogenic (2); Uncertain significance (4). Last evaluated 2026-02-06.

Conditions:
Progressive external ophthalmoplegia with mitochondrial DNA deletions, autosomal recessive 1 (PEOB1). Also called: Autosomal Recessive Progressive External Ophthalmoplegia (arPEO); Progressive external ophthalmoplegia, autosomal recessive 1. Identifiers: Orphanet 254886, MedGen C4225153, MONDO:0009783, OMIM 258450.
Progressive sclerosing poliodystrophy (MTDPS4A). Also called: ALPERS DIFFUSE DEGENERATION OF CEREBRAL GRAY MATTER WITH HEPATIC CIRRHOSIS; Alpers-Huttenlocher Syndrome; ALPERS PROGRESSIVE INFANTILE POLIODYSTROPHY; NEURONAL DEGENERATION OF CHILDHOOD WITH LIVER DISEASE, PROGRESSIVE; Mitochondrial DNA Depletion Syndrome 4A; Alpers-Huttenlocher Syndrome (AHS). Identifiers: Orphanet 726, MedGen C0205710, MONDO:0008758, OMIM 203700.
Sensory ataxic neuropathy, dysarthria, and ophthalmoparesis (SANDO). Also called: SENSORY ATAXIC NEUROPATHY WITH MITOCHONDRIAL DNA DELETIONS, AUTOSOMAL RECESSIVE; Epilepsy, progressive myoclonic, type 5; Sensory ataxic neuropathy-dysarthria-ophthalmoparesis syndrome; Ataxia Neuropathy Spectrum (ANS). Identifiers: Orphanet 70595, MedGen C1843851, MONDO:0011835, OMIM 607459.
Mitochondrial DNA depletion syndrome 4b. Also called: MNGIE, POLG-RELATED; Mitochondrial Neurogastrointestinal Encephalopathy Disease, POLG-Related. Identifiers: Orphanet 298, MedGen C3150914, MONDO:0013350, OMIM 613662.
Hereditary spastic paraplegia. Also called: Familial spastic paraparesis. Identifiers: Orphanet 685, MedGen C0037773, MONDO:0019064. Disease mechanism: loss of function.

Allele frequency attached by ClinVar (database versions not stated): ExAC 0.00003; gnomAD exomes 0.00003 and 0.00004; gnomAD 0.00002; TOPMed 0.00002; ESP Exome Variant Server 0.00008.
gnomAD v4.1: 59 of 1,613,734 alleles (0.0037%); highest among the groups gnomAD compares: Non-Finnish European, 0.0047%; no homozygotes.

Submissions (6):

GeneDx
Classification: Likely pathogenic. Last evaluated: 2026-02-06. Review status: criteria provided, single submitter. Criteria: GeneDx Variant Classification Process June 2021. Collection method: clinical testing. Allele origin: germline. Affected: yes.
Comment: Reported previously in an individual in a cohort of 8565 consecutive and unselected patients with epilepsy and neuro-developmental disorders undergoing multi-gene panel testing (PMID: 29655203); Not observed at significant frequency in large population cohorts (gnomAD); In silico analysis supports that this missense variant has a deleterious effect on protein structure/function; This variant is associated with the following publications: (PMID: 36732629, 29655203)

Labcorp Genetics (formerly Invitae), Labcorp
Classification: Uncertain significance for Progressive sclerosing poliodystrophy. Last evaluated: 2024-04-16. Review status: criteria provided, single submitter. Criteria: Invitae Variant Classification Sherloc (09022015). Collection method: clinical testing. Allele origin: germline.
Comment: This sequence change replaces methionine, which is neutral and non-polar, with threonine, which is neutral and polar, at codon 603 of the POLG protein (p.Met603Thr). This variant is present in population databases (rs367610201, gnomAD 0.006%). This missense change has been observed in individual(s) with epilepsy and/or a neurodevelopmental disorder (PMID: 29655203). ClinVar contains an entry for this variant (Variation ID: 206602). Advanced modeling of protein sequence and biophysical properties (such as structural, functional, and spatial information, amino acid conservation, physicochemical variation, residue mobility, and thermodynamic stability) performed at Invitae indicates that this missense variant is expected to disrupt POLG protein function with a positive predictive value of 95%. In summary, the available evidence is currently insufficient to determine the role of this variant in disease. Therefore, it has been classified as a Variant of Uncertain Significance.

Women's Health and Genetics/Laboratory Corporation of America, LabCorp
Classification: Uncertain significance. Last evaluated: 2023-03-16. Review status: criteria provided, single submitter. Criteria: LabCorp Variant Classification Summary - May 2015. Collection method: clinical testing. Allele origin: germline.
Comment: Variant summary: POLG c.1808T>C (p.Met603Thr) results in a non-conservative amino acid change in the encoded protein sequence. Five of five in-silico tools predict a damaging effect of the variant on protein function. The variant allele was found at a frequency of 2.8e-05 in 251114 control chromosomes (gnomAD). The available data on variant occurrences in the general population are insufficient to allow any conclusion about variant significance. c.1808T>C has been reported in the literature in at-least one individual affected with epilepsy (example: Lindy_2018). These report(s) do not provide unequivocal conclusions about association of the variant with Mitochondrial DNA Depletion Syndrome - POLG Related. To our knowledge, no experimental evidence demonstrating an impact on protein function has been reported. Five clinical diagnostic laboratories have submitted clinical-significance assessments for this variant to ClinVar after 2014 and classified the variant as VUS (n=3) and likely pathogenic (n=2). Based on the evidence outlined above, the variant was classified as uncertain significance.

Athena Diagnostics
Classification: Uncertain significance. Last evaluated: 2022-02-18. Review status: criteria provided, single submitter. Criteria: Athena Diagnostics Criteria. Collection method: clinical testing. Allele origin: unknown.

Greenwood Genetic Center Diagnostic Laboratories, Greenwood Genetic Center
Classification: Likely pathogenic for Progressive sclerosing poliodystrophy; Mitochondrial DNA depletion syndrome 4b; Sensory ataxic neuropathy, dysarthria, and ophthalmoparesis; Progressive external ophthalmoplegia with mitochondrial DNA deletions, autosomal recessive 1. Last evaluated: 2021-08-23. Review status: criteria provided, single submitter. Criteria: ACMG Guidelines, 2015. Collection method: clinical testing. Allele origin: germline. Affected: yes.
Comment: PM1, PM2, PM3, PS4_Supporting, PP3

Genome Diagnostics Laboratory, The Hospital for Sick Children
Classification: Uncertain significance for Hereditary spastic paraplegia. Last evaluated: 2016-12-12. Review status: criteria provided, single submitter. Criteria: ACMG Guidelines, 2015. Collection method: clinical testing. Allele origin: germline. Affected: yes.

Literature cited by the submitters: PubMed 29655203 (cited by 3 submitters).

NM_002693.3(POLG):c.1808T>C (p.Met603Thr)

Gene: POLG (DNA polymerase gamma, catalytic subunit; minus strand). Cytogenetic location: 15q26.1.
Variant type: single nucleotide variant.
Coding change: c.1808T>C on transcript NM_002693.3 (MANE Select); coding-DNA position 1808, T replaced by C.
Protein change: p.Met603Thr; replaces methionine 603 with threonine.
Molecular consequence: missense variant.
Genome position (GRCh38, 1-based): chr15:89,325,591, A>G on the plus strand (T>C on the coding strand, the complement: POLG is on the minus strand). VCF-style: chr15-89325591-A-G. GRCh37 (hg19) VCF-style: chr15-89868822-A-G.
Other names: p.M603T:ATG>ACG; c.1808T>C, p.Met603Thr (NM_001126131.2); short protein forms M603T.
Identifiers: ClinVar variation 206602 (VCV000206602.23), dbSNP rs367610201, ClinGen allele CA316846.